The following is an entry in ClinVar:

ClinVar aggregate classification (germline): Uncertain significance. Review status: criteria provided, multiple submitters, no conflicts (2 of 4 stars). 2 submissions from 2 submitters: Uncertain significance (2). Last evaluated 2024-09-03.

Conditions:
Inborn genetic diseases. Identifiers: MedGen C0950123, MeSH D030342.

Allele frequency attached by ClinVar (database versions not stated): ExAC 0.00002; gnomAD 0.00003; gnomAD exomes 0.00003 and 0.00007; TOPMed 0.00003.
gnomAD v4.1: 105 of 1,604,056 alleles (0.0065%); highest among the groups gnomAD compares: Non-Finnish European, 0.008%; no homozygotes.

Submissions (2):

Ambry Genetics
Classification: Uncertain significance for Inborn genetic diseases. Last evaluated: 2024-09-03. Review status: criteria provided, single submitter. Criteria: Ambry Variant Classification Scheme 2023. Collection method: clinical testing. Allele origin: germline.

Labcorp Genetics (formerly Invitae), Labcorp
Classification: Uncertain significance. Last evaluated: 2022-10-05. Review status: criteria provided, single submitter. Criteria: Invitae Variant Classification Sherloc (09022015). Collection method: clinical testing. Allele origin: germline.
Comment: This sequence change replaces glycine, which is neutral and non-polar, with arginine, which is basic and polar, at codon 66 of the CWC27 protein (p.Gly66Arg). This variant is present in population databases (rs753398778, gnomAD 0.006%). This variant has not been reported in the literature in individuals affected with CWC27-related conditions. ClinVar contains an entry for this variant (Variation ID: 1408194). Algorithms developed to predict the effect of missense changes on protein structure and function (SIFT, PolyPhen-2, Align-GVGD) all suggest that this variant is likely to be disruptive. In summary, the available evidence is currently insufficient to determine the role of this variant in disease. Therefore, it has been classified as a Variant of Uncertain Significance.

NM_005869.4(CWC27):c.196G>A (p.Gly66Arg)

Gene: CWC27 (CWC27 spliceosome associated cyclophilin; plus strand). Cytogenetic location: 5q12.3.
Variant type: single nucleotide variant.
Coding change: c.196G>A on transcript NM_005869.4 (MANE Select); coding-DNA position 196, G replaced by A.
Protein change: p.Gly66Arg; replaces glycine 66 with arginine.
Molecular consequence: missense variant.
Genome position (GRCh38, 1-based): chr5:64,781,977, G>A. VCF-style: chr5-64781977-G-A. GRCh37 (hg19) VCF-style: chr5-64077804-G-A.
Other names: c.196G>A, p.Gly66Arg (NM_001297644.1, NM_001297645.2, NM_001318000.2 and 1 more transcripts); c.196G>A (NM_005869.2); short protein forms G66R.
Identifiers: ClinVar variation 1408194 (VCV001408194.4), dbSNP rs753398778, ClinGen allele CA3281873.